The following is an entry in ClinVar:

NM_182493.3(MYLK3):c.216_228del (p.Pro73fs)

Gene: MYLK3 (myosin light chain kinase 3; minus strand). Cytogenetic location: 16q11.2.
Variant type: Deletion.
Coding change: c.216_228del on transcript NM_182493.3 (MANE Select); coding-DNA positions 216 to 228, 13 bases deleted (ACCGGGCCCGGGC).
Protein change: p.Pro73fs; shifts the reading frame from proline 73.
Molecular consequence: frameshift variant. On other transcripts: intron variant (1).
Genome position (GRCh38, 1-based): chr16:46,747,966-46,747,978, GCCCGGGCCCGGT deleted on the plus strand (ACCGGGCCCGGGC on the coding strand, the reverse complement: MYLK3 is on the minus strand); deleting any 13 consecutive bases within chr16:46,747,966-46,747,985 gives the same sequence; the c. name uses the placement nearest the transcript's 3' end. VCF-style (leftmost placement, unchanged base first): chr16-46747965-CGCCCGGGCCCGGT-C. GRCh37 (hg19) VCF-style: chr16-46781877-CGCCCGGGCCCGGT-C.
Other names: c.-113-7831_-113-7819del (NM_001308301.1); short protein forms P73fs.
Identifiers: ClinVar variation 1509762 (VCV001509762.6), dbSNP rs762204483, ClinGen allele CA8038296.
Genomic context (GRCh38, chr16:46,747,965, plus strand): 5'-CCAGCTCCAGGACCTCGGGCCACCCAGCCTGGGTGTCAATGTGGGGAACCCCATCAGCCC[CGCCCGGGCCCGGT>C]GCCCGGGAGGCCTCCAGCCTGTGCAGGCCCCGCTCCAGGTGGCCCATGTCTCGGCACATG-3'

ClinVar aggregate classification (germline): Uncertain significance (1 of 4 stars; one submission).

Submission:

Labcorp Genetics (formerly Invitae), Labcorp
Classification: Uncertain significance. Last evaluated: 2022-10-24. Review status: criteria provided, single submitter. Criteria: Invitae Variant Classification Sherloc (09022015). Collection method: clinical testing. Allele origin: germline.
Comment: This variant is present in population databases (rs762204483, gnomAD 0.003%). This variant has not been reported in the literature in individuals affected with MYLK3-related conditions. ClinVar contains an entry for this variant (Variation ID: 1509762). In summary, the available evidence is currently insufficient to determine the role of this variant in disease. Therefore, it has been classified as a Variant of Uncertain Significance. This sequence change creates a premature translational stop signal (p.Pro73Glyfs*21) in the MYLK3 gene. It is expected to result in an absent or disrupted protein product. However, the current clinical and genetic evidence is not sufficient to establish whether loss-of-function variants in MYLK3 cause disease.